The following is an entry in ClinVar:

ClinVar aggregate classification (germline): Uncertain significance (1 of 4 stars; one submission).

Conditions:
Bethlem myopathy 1A. Also called: MYOPATHY, BENIGN CONGENITAL, WITH CONTRACTURES; Bethlem myopathy 1; Bethlem Muscular Dystrophy. Identifiers: Orphanet 610, MedGen CN029274, MONDO:0024530, OMIM 158810.

Allele frequency attached by ClinVar (database versions not stated): gnomAD 0.00005.

Submission:

Labcorp Genetics (formerly Invitae), Labcorp
Classification: Uncertain significance for Bethlem myopathy 1A. Last evaluated: 2024-08-20. Review status: criteria provided, single submitter. Criteria: Invitae Variant Classification Sherloc (09022015). Collection method: clinical testing. Allele origin: germline.
Comment: This sequence change falls in intron 11 of the COL6A1 gene. It does not directly change the encoded amino acid sequence of the COL6A1 protein. This variant is present in population databases (rs765683206, gnomAD 0.01%). This variant has not been reported in the literature in individuals affected with COL6A1-related conditions. ClinVar contains an entry for this variant (Variation ID: 2119817). Algorithms developed to predict the effect of sequence changes on RNA splicing suggest that this variant may create or strengthen a splice site. In summary, the available evidence is currently insufficient to determine the role of this variant in disease. Therefore, it has been classified as a Variant of Uncertain Significance.

NM_001848.3(COL6A1):c.930+20G>A

Gene: COL6A1 (collagen type VI alpha 1 chain; plus strand). Cytogenetic location: 21q22.3.
Variant type: single nucleotide variant.
Coding change: c.930+20G>A on transcript NM_001848.3 (MANE Select); 20 bases into the intron after coding-DNA position 930, G replaced by A.
Molecular consequence: intron variant.
Genome position (GRCh38, 1-based): chr21:45,989,798, G>A. VCF-style: chr21-45989798-G-A. GRCh37 (hg19) VCF-style: chr21-47409712-G-A.
Identifiers: ClinVar variation 2119817 (VCV002119817.4), dbSNP rs765683206, ClinGen allele CA10069882.